The following is an entry in ClinVar:

NM_001844.5(COL2A1):c.3719G>A (p.Arg1240Gln)

Gene: COL2A1 (collagen type II alpha 1 chain; minus strand). Cytogenetic location: 12q13.11.
Variant type: single nucleotide variant.
Coding change: c.3719G>A on transcript NM_001844.5 (MANE Select); coding-DNA position 3719, G replaced by A.
Protein change: p.Arg1240Gln; replaces arginine 1240 with glutamine.
Molecular consequence: missense variant.
Genome position (GRCh38, 1-based): chr12:47,975,484, C>T on the plus strand (G>A on the coding strand, the complement: COL2A1 is on the minus strand). VCF-style: chr12-47975484-C-T. GRCh37 (hg19) VCF-style: chr12-48369267-C-T.
Other names: c.3512G>A, p.Arg1171Gln (NM_033150.3); short protein forms R1171Q, R1240Q.
Identifiers: ClinVar variation 957265 (VCV000957265.17), dbSNP rs770482348, ClinGen allele CA6534658.
Genomic context (GRCh38, chr12:47,975,484, plus strand): 5'-TTGAGTGTGGCATCCACCTCGGCGTCATGCTGTCTCAGGCCACCGGCTGCCTGGTCGGCC[C>T]GCATGTACTGCAGGGGGTCGGGGCCCTTCTCTCTCGGGCCTAAGCCAGCAAAGGCGGACA-3'
Protein context (NP_001835.3, residues 1230-1250): EKGPDPLQYM[Arg1240Gln]ADQAAGGLRQ

ClinVar aggregate classification (germline): Conflicting classifications of pathogenicity. Review status: criteria provided, conflicting classifications (1 of 4 stars). 5 submissions from 5 submitters: Uncertain significance (3); Likely benign (2). Last evaluated 2026-01-17.

Conditions:
Inborn genetic diseases. Identifiers: MedGen C0950123, MeSH D030342.
COL2A1-related disorder. Also called: COL2A1-related condition; COL2A1-related disorders.

Allele frequency attached by ClinVar (database versions not stated): gnomAD exomes 0.00004 and 0.00007; TOPMed 0.00006; gnomAD 0.00007; ExAC 0.00009.
gnomAD v4.1: 69 of 1,613,572 alleles (0.0043%); highest among the groups gnomAD compares: African/African-American, 0.017%; no homozygotes.

Submissions (5):

Labcorp Genetics (formerly Invitae), Labcorp
Classification: Likely benign. Last evaluated: 2026-01-17. Review status: criteria provided, single submitter. Criteria: Invitae Variant Classification Sherloc (09022015). Collection method: clinical testing. Allele origin: germline.

PreventionGenetics, part of Exact Sciences
Classification: Uncertain significance for COL2A1-related condition. Last evaluated: 2025-10-11. Review status: criteria provided, single submitter. Criteria: ACMG Guidelines, 2015. Collection method: clinical testing. Allele origin: germline.
Comment: The COL2A1 c.3719G>A variant is predicted to result in the amino acid substitution p.Arg1240Gln. To our knowledge, this variant has not been reported in the literature. This variant is reported in 0.037% of alleles in individuals of African descent in gnomAD. Although we suspect that this variant may be benign, at this time, the clinical significance of this variant is uncertain due to the absence of conclusive functional and genetic evidence.

Blueprint Genetics
Classification: Likely benign. Last evaluated: 2024-07-16. Review status: criteria provided, single submitter. Criteria: ACMG Guidelines, 2015. Collection method: clinical testing. Allele origin: germline.

GeneDx
Classification: Uncertain significance. Last evaluated: 2023-09-13. Review status: criteria provided, single submitter. Criteria: GeneDx Variant Classification Process June 2021. Collection method: clinical testing. Allele origin: germline. Affected: yes.
Comment: Has not been previously published as pathogenic or benign to our knowledge; In silico analysis, which includes protein predictors and evolutionary conservation, supports that this variant does not alter protein structure/function; Not located in the triple helical region, where the majority of pathogenic missense variants occur (HGMD)

Ambry Genetics
Classification: Uncertain significance for Inborn genetic diseases. Last evaluated: 2022-04-25. Review status: criteria provided, single submitter. Criteria: Ambry Variant Classification Scheme 2023. Collection method: clinical testing. Allele origin: germline.